The following is an entry in ClinVar:

NM_172245.4(CSF2RA):c.566G>A (p.Arg189His)

Gene: CSF2RA (colony stimulating factor 2 receptor subunit alpha; plus strand). Cytogenetic location: Xp22.33.
Variant type: single nucleotide variant.
Coding change: c.566G>A on transcript NM_172245.4 (MANE Select); coding-DNA position 566, G replaced by A.
Protein change: p.Arg189His; replaces arginine 189 with histidine.
Molecular consequence: missense variant. On other transcripts: non-coding transcript variant (1).
Genome position (GRCh38, 1-based): chrX:1,290,429, G>A. VCF-style: chrX-1290429-G-A. GRCh37 (hg19) VCF-style: chrX-1409322-G-A.
Other names: c.566G>A, p.Arg189His (NM_001161529.2, NM_001161530.2, NM_001161531.2 and 20 more transcripts); c.167G>A, p.Arg56His (NM_001161532.2); short protein forms R189H, R56H.
Identifiers: ClinVar variation 1023307 (VCV001023307.4), dbSNP rs147180621, ClinGen allele CA10330868.
Genomic context (GRCh38, chrX:1,290,429, plus strand): 5'-TACAAGACTCAGGAACCCATGTGGGATGTCACCTGGATAACCTGTCAGGATTAACGTCTC[G>A]CAATTACTTTCTGGTTAACGGAACCAGCCGAGAAATTGGCATCCAATTCTTTGATTCACT-3'
Protein context (NP_758448.1, residues 179-199): HLDNLSGLTS[Arg189His]NYFLVNGTSR

ClinVar aggregate classification (germline): Uncertain significance (1 of 4 stars; one submission).

Conditions:
Surfactant metabolism dysfunction, pulmonary, 4 (SMDP4). Also called: PULMONARY ALVEOLAR PROTEINOSIS, CONGENITAL, 4; PAP DUE TO CSF2RA DEFICIENCY; CSF2RA DEFICIENCY. Identifiers: Orphanet 264675, MedGen C2677877, MONDO:0010424, OMIM 300770.

Allele frequency attached by ClinVar (database versions not stated): ExAC 0.00009; TOPMed 0.00011; ESP Exome Variant Server 0.00031.
gnomAD v4.1: 244 of 1,613,612 alleles (0.015%); highest among the groups gnomAD compares: Admixed American, 0.03%; no homozygotes.

Submission:

Labcorp Genetics (formerly Invitae), Labcorp
Classification: Uncertain significance for Surfactant metabolism dysfunction, pulmonary, 4. Last evaluated: 2022-08-23. Review status: criteria provided, single submitter. Criteria: Invitae Variant Classification Sherloc (09022015). Collection method: clinical testing. Allele origin: germline.
Comment: This sequence change replaces arginine, which is basic and polar, with histidine, which is basic and polar, at codon 189 of the CSF2RA protein (p.Arg189His). This variant is present in population databases (no rsID available, gnomAD 0.02%). This variant has not been reported in the literature in individuals affected with CSF2RA-related conditions. ClinVar contains an entry for this variant (Variation ID: 1023307). Algorithms developed to predict the effect of missense changes on protein structure and function are either unavailable or do not agree on the potential impact of this missense change (SIFT: "Tolerated"; PolyPhen-2: "Not Available"; Align-GVGD: "Class C0"). In summary, the available evidence is currently insufficient to determine the role of this variant in disease. Therefore, it has been classified as a Variant of Uncertain Significance.